The following is an entry in ClinVar:

NM_001099922.3(ALG13):c.114C>G (p.Ile38Met)

Gene: ALG13 (ALG13 UDP-N-acetylglucosaminyltransferase subunit; plus strand). Cytogenetic location: Xq23.
Variant type: single nucleotide variant.
Coding change: c.114C>G on transcript NM_001099922.3 (MANE Select); coding-DNA position 114, C replaced by G.
Protein change: p.Ile38Met; replaces isoleucine 38 with methionine.
Molecular consequence: missense variant. On other transcripts: 5 prime UTR variant (6), non-coding transcript variant (1), intron variant (5).
Genome position (GRCh38, 1-based): chrX:111,682,164, C>G. VCF-style: chrX-111682164-C-G. GRCh37 (hg19) VCF-style: chrX-110925392-C-G.
Other names: c.114C>G, p.Ile38Met (NM_001039210.5, NM_001168385.3, NM_001324290.2 and 2 more transcripts); c.-62C>G (NM_001257231.2, NM_001257241.3); c.-199C>G (NM_001257237.2, NM_001257239.3, NM_001257240.3 and 1 more transcripts); c.-127-72C>G (NM_001257234.2, NM_001257230.2, NM_001257235.3 and 2 more transcripts); short protein forms I38M.
Identifiers: ClinVar variation 1379829 (VCV001379829.8), dbSNP rs1206750653, ClinGen allele CA414248196.

ClinVar aggregate classification (germline): Uncertain significance (1 of 4 stars; one submission).

Conditions:
Developmental and epileptic encephalopathy, 36 (DEE36). Also called: Epileptic encephalopathy, early infantile, 36; Congenital disorder of glycosylation, type Is; ALG13-CDG. Identifiers: Orphanet 324422, MedGen C4317295, MONDO:0010472, OMIM 300884.

gnomAD v4.1: 1 of 1,193,935 alleles (0.000084%); highest among the groups gnomAD compares: Non-Finnish European, 0.00011%; no homozygotes.

Submission:

Labcorp Genetics (formerly Invitae), Labcorp
Classification: Uncertain significance for Developmental and epileptic encephalopathy, 36. Last evaluated: 2021-04-25. Review status: criteria provided, single submitter. Criteria: Invitae Variant Classification Sherloc (09022015). Collection method: clinical testing. Allele origin: germline.
Comment: In summary, the available evidence is currently insufficient to determine the role of this variant in disease. Therefore, it has been classified as a Variant of Uncertain Significance. Algorithms developed to predict the effect of missense changes on protein structure and function are either unavailable or do not agree on the potential impact of this missense change (SIFT: "Deleterious"; PolyPhen-2: "Possibly Damaging"; Align-GVGD: "Class C0"). This variant has not been reported in the literature in individuals with ALG13-related conditions. This variant is not present in population databases (ExAC no frequency). This sequence change replaces isoleucine with methionine at codon 38 of the ALG13 protein (p.Ile38Met). The isoleucine residue is weakly conserved and there is a small physicochemical difference between isoleucine and methionine.